The following is an entry in ClinVar:

ClinVar aggregate classification (germline): Uncertain significance. Review status: criteria provided, multiple submitters, no conflicts (2 of 4 stars). 2 submissions from 2 submitters: Uncertain significance (2). Last evaluated 2026-06-08.

Conditions:
Hereditary cancer-predisposing syndrome. Also called: Neoplastic Syndromes, Hereditary; Hereditary Cancer Syndrome; Tumor predisposition; Hereditary neoplastic syndrome. Identifiers: Orphanet 140162, MedGen C0027672, MeSH D009386, MONDO:0015356.
Familial adenomatous polyposis 1 (FAP1). Also called: FAMILIAL ADENOMATOUS POLYPOSIS 1, ATTENUATED; POLYPOSIS, ADENOMATOUS INTESTINAL. Identifiers: MedGen C2713442, MONDO:0021056, OMIM 175100. Disease mechanism: loss of function.

Submissions (2):

Ambry Genetics
Classification: Uncertain significance for Hereditary cancer-predisposing syndrome. Last evaluated: 2026-06-08. Review status: criteria provided, single submitter. Criteria: Ambry Variant Classification Scheme 2023. Collection method: clinical testing. Allele origin: germline.
Comment: The p.F814C variant (also known as c.2441T>G), located in coding exon 15 of the APC gene, results from a T to G substitution at nucleotide position 2441. The phenylalanine at codon 814 is replaced by cysteine, an amino acid with highly dissimilar properties. This amino acid position is conserved. In addition, in silico predictors for this gene do not accurately predict pathogenicity. Based on the available evidence, the clinical significance of this variant remains unclear.

Labcorp Genetics (formerly Invitae), Labcorp
Classification: Uncertain significance for Familial adenomatous polyposis 1. Last evaluated: 2023-10-12. Review status: criteria provided, single submitter. Criteria: Invitae Variant Classification Sherloc (09022015). Collection method: clinical testing. Allele origin: germline.
Comment: This sequence change replaces phenylalanine, which is neutral and non-polar, with cysteine, which is neutral and slightly polar, at codon 814 of the APC protein (p.Phe814Cys). This variant is not present in population databases (gnomAD no frequency). This variant has not been reported in the literature in individuals affected with APC-related conditions. ClinVar contains an entry for this variant (Variation ID: 219859). Advanced modeling of protein sequence and biophysical properties (such as structural, functional, and spatial information, amino acid conservation, physicochemical variation, residue mobility, and thermodynamic stability) performed at Invitae indicates that this missense variant is not expected to disrupt APC protein function. In summary, the available evidence is currently insufficient to determine the role of this variant in disease. Therefore, it has been classified as a Variant of Uncertain Significance.

NM_000038.6(APC):c.2441T>G (p.Phe814Cys)

Gene: APC (APC regulator of Wnt signaling pathway; plus strand). Cytogenetic location: 5q22.2.
Variant type: single nucleotide variant.
Coding change: c.2441T>G on transcript NM_000038.6 (MANE Select); coding-DNA position 2441, T replaced by G.
Protein change: p.Phe814Cys; replaces phenylalanine 814 with cysteine.
Molecular consequence: missense variant.
Genome position (GRCh38, 1-based): chr5:112,838,035, T>G. VCF-style: chr5-112838035-T-G. GRCh37 (hg19) VCF-style: chr5-112173732-T-G.
Other names: c.2441T>G, p.Phe814Cys (NM_001127510.3, NM_001354895.2); c.2387T>G, p.Phe796Cys (NM_001127511.3); c.2495T>G, p.Phe832Cys (NM_001354896.2); c.2471T>G, p.Phe824Cys (NM_001354897.2); c.2366T>G, p.Phe789Cys (NM_001354898.2); c.2357T>G, p.Phe786Cys (NM_001354899.2); c.2318T>G, p.Phe773Cys (NM_001354900.2); c.2264T>G, p.Phe755Cys (NM_001354901.2); and 5 more; short protein forms F796C, F814C, F531C, F688C, F713C, F832C, F654C, F723C.
Identifiers: ClinVar variation 219859 (VCV000219859.8), dbSNP rs864622282, ClinGen allele CA348873.
Genomic context (GRCh38, chr5:112,838,035, plus strand): 5'-GTCTCTATGGTGATTATGTTTTTGACACCAATCGACATGATGATAATAGGTCAGACAATT[T>G]TAATACTGGCAACATGACTGTCCTTTCACCATATTTGAATACTACAGTGTTACCCAGCTC-3'
Protein context (NP_000029.2, residues 804-824): NRHDDNRSDN[Phe814Cys]NTGNMTVLSP